The following is an entry in ClinVar:

ClinVar aggregate classification (germline): Conflicting classifications of pathogenicity. Review status: criteria provided, conflicting classifications (1 of 4 stars). 4 submissions from 4 submitters: Uncertain significance (3); Likely benign (1). Last evaluated 2025-04-25.

Conditions:
Familial melanoma. Also called: Hereditary melanoma; Hereditary cutaneous melanoma. Identifiers: Orphanet 618, MedGen C1512419, MONDO:0018961.
Hereditary cancer-predisposing syndrome. Also called: Tumor predisposition; Neoplastic Syndromes, Hereditary; Hereditary neoplastic syndrome; Hereditary Cancer Syndrome. Identifiers: Orphanet 140162, MedGen C0027672, MeSH D009386, MONDO:0015356.

Allele frequency attached by ClinVar (database versions not stated): gnomAD exomes below 0.00001.
gnomAD v4.1: 1 of 1,603,814 alleles (0.000062%); highest among the groups gnomAD compares: African/African-American, 0.0013%; no homozygotes.

Submissions (4):

Ambry Genetics
Classification: Likely benign for Hereditary cancer-predisposing syndrome. Last evaluated: 2025-04-25. Review status: criteria provided, single submitter. Criteria: Ambry Variant Classification Scheme 2023. Collection method: clinical testing. Allele origin: germline.

Quest Diagnostics Nichols Institute San Juan Capistrano
Classification: Uncertain significance. Last evaluated: 2024-09-17. Review status: criteria provided, single submitter. Criteria: Quest Diagnostics criteria. Collection method: clinical testing. Allele origin: unknown.
Comment: The CDKN2A (p14 ARF) c.163C>G (p.Leu55Val) variant has not been reported in individuals with CDKN2A-related conditions in the published literature. It also has not been reported in large, multi-ethnic general populations (Genome Aggregation Database). Analysis of this variant using bioinformatics tools for the prediction of the effect of amino acid changes on protein structure and function yielded predictions that this variant is benign. Based on the available information, we are unable to determine the clinical significance of this variant.

GeneDx
Classification: Uncertain significance. Last evaluated: 2023-09-05. Review status: criteria provided, single submitter. Criteria: GeneDx Variant Classification Process June 2021. Collection method: clinical testing. Allele origin: germline. Affected: yes.
Comment: Not observed at significant frequency in large population cohorts (gnomAD); In silico analysis supports that this missense variant does not alter protein structure/function; Has not been previously published as pathogenic or benign to our knowledge; Reported using an alternate transcript of the gene; This variant is associated with the following publications: (PMID: 9653180, 9529249, 16173922)

Labcorp Genetics (formerly Invitae), Labcorp
Classification: Uncertain significance for Familial melanoma. Last evaluated: 2021-07-13. Review status: criteria provided, single submitter. Criteria: Invitae Variant Classification Sherloc (09022015). Collection method: clinical testing. Allele origin: germline.

NM_058195.4(CDKN2A):c.163C>G (p.Leu55Val)

Gene: CDKN2A (cyclin dependent kinase inhibitor 2A; minus strand). Cytogenetic location: 9p21.3.
Variant type: single nucleotide variant.
Coding change: c.163C>G on transcript NM_058195.4 (MANE Plus Clinical); coding-DNA position 163, C replaced by G.
Protein change: p.Leu55Val; replaces leucine 55 with valine.
Molecular consequence: missense variant. On other transcripts: intron variant (1).
Genome position (GRCh38, 1-based): chr9:21,994,169, G>C on the plus strand (C>G on the coding strand, the complement: CDKN2A is on the minus strand). VCF-style: chr9-21994169-G-C. GRCh37 (hg19) VCF-style: chr9-21994168-G-C.
Other names: c.-4+652C>G (NM_001363763.2); short protein forms L55V.
Identifiers: ClinVar variation 952988 (VCV000952988.11), dbSNP rs1820527497, ClinGen allele CA373086823.
Genomic context (GRCh38, chr9:21,994,169, plus strand): 5'-CGCCCCGGACTTTTCGAGGGCCTTTCCTACCTGGTCTTCTAGGAAGCGGCTGCTGCCCTA[G>C]ACGCTGGCTCCTCAGTAGCATCAGCACGAGGGCCACAGCGGCGGGCGCCCCTGGCGCTGC-3'
Protein context (NP_478102.2, residues 45-65): LVLMLLRSQR[Leu55Val]GQQPLPRRPG